The following is an entry in ClinVar:

ClinVar aggregate classification (germline): Benign/Likely benign. Review status: criteria provided, multiple submitters, no conflicts (2 of 4 stars). 10 submissions from 10 submitters: Benign (2); Likely benign (5). 3 of the submissions do not count toward it. Last evaluated 2026-04-01.

Conditions:
CYP27A1-related disorder. Also called: CYP27A1-related condition.
Cardiovascular phenotype. Identifiers: MedGen CN230736.
Cholestanol storage disease (CTX). Also called: Cerebrotendinous Xanthomatosis; CEREBRAL CHOLESTERINOSIS; CTX: Cerebrotendinous xanthomatosis. Identifiers: Orphanet 909, MedGen C0238052, MONDO:0008948, OMIM 213700.

Allele frequency attached by ClinVar (database versions not stated): gnomAD exomes 0.00038; ExAC 0.00047; 1000 Genomes Project 30x 0.00109; 1000 Genomes Project 0.00120; ESP Exome Variant Server 0.00169; TOPMed 0.00191; gnomAD 0.00194 and 0.00215.
gnomAD v4.1: 525 of 1,614,204 alleles (0.033%); highest among the groups gnomAD compares: African/African-American, 0.64%; 3 homozygotes.

Submissions (10):

CeGaT Center for Human Genetics Tuebingen
Classification: Likely benign. Last evaluated: 2026-04-01. Review status: criteria provided, single submitter. Criteria: CeGaT Center For Human Genetics Tuebingen Variant Classification Criteria Version 2. Collection method: clinical testing. Allele origin: germline. Affected: yes. Observed: 2 variant alleles.
Comment: CYP27A1: BP4, BS2

Labcorp Genetics (formerly Invitae), Labcorp
Classification: Likely benign for Cholestanol storage disease. Last evaluated: 2026-02-02. Review status: criteria provided, single submitter. Criteria: Invitae Variant Classification Sherloc (09022015). Collection method: clinical testing. Allele origin: germline.

Mayo Clinic Laboratories, Mayo Clinic
Classification: Likely benign. Last evaluated: 2025-07-31. Review status: criteria provided, single submitter. Criteria: ACMG Guidelines, 2015. Collection method: clinical testing. Allele origin: germline. Observed: 4 variant alleles.
Comment: BS1, BP4_moderate

Blueprint Genetics
Classification: Likely benign. Last evaluated: 2024-10-25. Review status: criteria provided, single submitter. Criteria: ACMG Guidelines, 2015. Collection method: clinical testing. Allele origin: germline.

GeneDx
Classification: Likely benign. Last evaluated: 2021-06-28. Review status: criteria provided, single submitter. Criteria: GeneDx Variant Classification Process June 2021. Collection method: clinical testing. Allele origin: germline. Affected: yes.

Ambry Genetics
Classification: Benign for Cardiovascular phenotype. Last evaluated: 2021-05-10. Review status: criteria provided, single submitter. Criteria: Ambry Variant Classification Scheme 2023. Collection method: clinical testing. Allele origin: germline.

Eurofins Ntd Llc (ga)
Classification: Benign. Last evaluated: 2015-06-05. Review status: criteria provided, single submitter. Criteria: EGL Classification Definitions 2015. Collection method: clinical testing. Allele origin: germline. Observed: 2 variant alleles, 2 heterozygotes.

PreventionGenetics, part of Exact Sciences
Classification: Likely benign for CYP27A1-related condition. Last evaluated: 2019-06-19. Review status: no assertion criteria provided. Collection method: clinical testing. Allele origin: germline. Not counted in ClinVar's aggregate classification.
Comment: This variant is classified as likely benign based on ACMG/AMP sequence variant interpretation guidelines (Richards et al. 2015 PMID: 25741868, with internal and published modifications).

Clinical Genetics DNA and cytogenetics Diagnostics Lab, Erasmus MC, Erasmus Medical Center
Classification: Likely benign. Review status: no assertion criteria provided. Collection method: clinical testing. Allele origin: germline. Affected: yes. Study: VKGL Data-share Consensus. Not counted in ClinVar's aggregate classification.

Clinical Genetics, Academic Medical Center
Classification: Likely benign. Review status: no assertion criteria provided. Collection method: clinical testing. Allele origin: germline. Affected: yes. Study: VKGL Data-share Consensus. Not counted in ClinVar's aggregate classification.

NM_000784.4(CYP27A1):c.1505C>A (p.Ala502Asp)

Gene: CYP27A1 (cytochrome P450 family 27 subfamily A member 1; plus strand). Cytogenetic location: 2q35.
Variant type: single nucleotide variant.
Coding change: c.1505C>A on transcript NM_000784.4 (MANE Select); coding-DNA position 1505, C replaced by A.
Protein change: p.Ala502Asp; replaces alanine 502 with aspartic acid.
Molecular consequence: missense variant.
Genome position (GRCh38, 1-based): chr2:218,814,939, C>A. VCF-style: chr2-218814939-C-A. GRCh37 (hg19) VCF-style: chr2-219679662-C-A.
Other names: p.Ala502Asp; short protein forms A502D.
Identifiers: ClinVar variation 199040 (VCV000199040.47), dbSNP rs140842830, ClinGen allele CA203719.